The following is an entry in ClinVar:

ClinVar aggregate classification (germline): Uncertain significance. Review status: criteria provided, multiple submitters, no conflicts (2 of 4 stars). 3 submissions from 3 submitters: Uncertain significance (3). Last evaluated 2024-09-16.

Conditions:
Inborn genetic diseases. Identifiers: MedGen C0950123, MeSH D030342.
Isolated microphthalmia 5. Also called: Posterior Microphthalmia with Retinitis Pigmentosa, Foveoschisis, and Optic Disc Drusen. Identifiers: Orphanet 251279, MedGen C1970236, MONDO:0012605, OMIM 611040.

Allele frequency attached by ClinVar (database versions not stated): TOPMed 0.00003; ExAC 0.00007.
gnomAD v4.1: 97 of 1,613,494 alleles (0.006%); highest among the groups gnomAD compares: Middle Eastern, 0.033%; no homozygotes.

Submissions (3):

Blueprint Genetics
Classification: Uncertain significance. Last evaluated: 2024-09-16. Review status: criteria provided, single submitter. Criteria: ACMG Guidelines, 2015. Collection method: clinical testing. Allele origin: germline.

Ambry Genetics
Classification: Uncertain significance for Inborn genetic diseases. Last evaluated: 2023-04-19. Review status: criteria provided, single submitter. Criteria: Ambry Variant Classification Scheme 2023. Collection method: clinical testing. Allele origin: germline.

Labcorp Genetics (formerly Invitae), Labcorp
Classification: Uncertain significance for Isolated microphthalmia 5. Last evaluated: 2022-05-07. Review status: criteria provided, single submitter. Criteria: Invitae Variant Classification Sherloc (09022015). Collection method: clinical testing. Allele origin: germline.
Comment: This sequence change replaces alanine, which is neutral and non-polar, with valine, which is neutral and non-polar, at codon 100 of the MFRP protein (p.Ala100Val). This variant is present in population databases (no rsID available, gnomAD 0.01%). This variant has not been reported in the literature in individuals affected with MFRP-related conditions. Algorithms developed to predict the effect of missense changes on protein structure and function output the following: SIFT: "Tolerated"; PolyPhen-2: "Benign"; Align-GVGD: "Class C0". The valine amino acid residue is found in multiple mammalian species, which suggests that this missense change does not adversely affect protein function. In summary, the available evidence is currently insufficient to determine the role of this variant in disease. Therefore, it has been classified as a Variant of Uncertain Significance.

NM_031433.4(MFRP):c.299C>T (p.Ala100Val)

Genes: C1QTNF5 (C1q and TNF related 5; minus strand), MFRP (membrane frizzled-related protein; minus strand). Cytogenetic location: 11q23.3.
Variant type: single nucleotide variant.
Coding change: c.299C>T on transcript NM_031433.4 (MANE Select); coding-DNA position 299, C replaced by T.
Protein change: p.Ala100Val; replaces alanine 100 with valine.
Molecular consequence: missense variant. On other transcripts: 5 prime UTR variant (1).
Genome position (GRCh38, 1-based): chr11:119,345,901, G>A on the plus strand (C>T on the coding strand, the complement: MFRP is on the minus strand). VCF-style: chr11-119345901-G-A. GRCh37 (hg19) VCF-style: chr11-119216611-G-A.
Other names: c.-2338C>T (NM_015645.5); short protein forms A100V.
Identifiers: ClinVar variation 1467190 (VCV001467190.7), dbSNP rs1399208418, ClinGen allele CA6320624.
Genomic context (GRCh38, chr11:119,345,901, plus strand): 5'-GTGATGGTGGGGGTGGTGGTGGTCGTGGTAAGGCCTCCGGCAGGCAGTGGGCTATGGGAC[G>A]CCCCAGATGGGGGTGCAGCCTGCAGCTCTGGAGGCGAGAAGATGGAGGGTGGCGTTCAGA-3'
Protein context (NP_113621.1, residues 90-110): AQLQAAPPSG[Ala100Val]SHSPLPAGGL